The following is an entry in ClinVar:

ClinVar aggregate classification (germline): Uncertain significance (1 of 4 stars; one submission).

Conditions:
Sulfite oxidase deficiency. Also called: Isolated sulfite oxidase deficiency. Identifiers: Orphanet 833, Orphanet 99731, MedGen C0268624, MONDO:0010089, OMIM 272300, HP:0003643.

Submission:

Labcorp Genetics (formerly Invitae), Labcorp
Classification: Uncertain significance for Sulfite oxidase deficiency. Last evaluated: 2022-08-11. Review status: criteria provided, single submitter. Criteria: Invitae Variant Classification Sherloc (09022015). Collection method: clinical testing. Allele origin: germline.
Comment: This sequence change replaces tryptophan, which is neutral and slightly polar, with glutamine, which is neutral and polar, at codon 450 of the SUOX protein (p.Trp450Gln). Information on the frequency of this variant in the gnomAD database is not available, as this variant may be reported differently in the database. This variant has not been reported in the literature in individuals affected with SUOX-related conditions. Algorithms developed to predict the effect of missense changes on protein structure and function are either unavailable or do not agree on the potential impact of this missense change (SIFT: "Not Available"; PolyPhen-2: "Probably Damaging"; Align-GVGD: "Not Available"). In summary, the available evidence is currently insufficient to determine the role of this variant in disease. Therefore, it has been classified as a Variant of Uncertain Significance.

NM_001032386.2(SUOX):c.1348_1349inv (p.Trp450Gln)

Gene: SUOX (sulfite oxidase; plus strand). Cytogenetic location: 12q13.2.
Variant type: Inversion.
Coding change: c.1348_1349inv on transcript NM_001032386.2 (MANE Select).
Protein change: p.Trp450Gln; replaces tryptophan 450 with glutamine.
Molecular consequence: missense variant.
Genome position: GRCh38 VCF-style: chr12-56004737-TG-CA. GRCh37 (hg19) VCF-style: chr12-56398521-TG-CA.
Other names: c.1348_1349inv, p.Trp450Gln (NM_000456.3, NM_001032387.2); short protein forms W450Q.
Identifiers: ClinVar variation 2015056 (VCV002015056.4), ClinGen allele CA2580086511.